The following is an entry in ClinVar:

ClinVar aggregate classification (germline): Uncertain significance (1 of 4 stars; one submission).

Submission:

Women's Health and Genetics/Laboratory Corporation of America, LabCorp
Classification: Uncertain significance. Last evaluated: 2026-04-15. Review status: criteria provided, single submitter. Criteria: LabCorp Variant Classification Summary - May 2015. Collection method: clinical testing. Allele origin: germline.
Comment: Variant summary: KIF1A c.2648T>C (p.Leu883Pro) results in a non-conservative amino acid change in the encoded protein sequence. Algorithms developed to predict the effect of missense changes on protein structure and function all suggest that this variant is likely to be disruptive. The variant was absent in 248852 control chromosomes. The available data on variant occurrences in the general population are insufficient to allow any conclusion about variant significance. To our knowledge, no occurrence of c.2648T>C in individuals affected with KIF1A-related conditions and no experimental evidence demonstrating its impact on protein function have been reported. No submitters have cited clinical-significance assessments for this variant to ClinVar. Based on the evidence outlined above, the variant was classified as uncertain significance.

NM_001244008.2(KIF1A):c.2951T>C (p.Leu984Pro)

Gene: KIF1A (kinesin family member 1A; minus strand). Cytogenetic location: 2q37.3.
Variant type: single nucleotide variant.
Coding change: c.2951T>C on transcript NM_001244008.2 (MANE Select); coding-DNA position 2951, T replaced by C.
Protein change: p.Leu984Pro; replaces leucine 984 with proline.
Molecular consequence: missense variant.
Genome position (GRCh38, 1-based): chr2:240,750,455, A>G on the plus strand (T>C on the coding strand, the complement: KIF1A is on the minus strand). VCF-style: chr2-240750455-A-G. GRCh37 (hg19) VCF-style: chr2-241689872-A-G.
Other names: c.2924T>C, p.Leu975Pro (NM_001379642.1, NM_001379645.1, NM_001379633.1); c.2750T>C, p.Leu917Pro (NM_001379646.1, NM_001379634.1, NM_001379635.1 and 1 more transcripts); c.2723T>C, p.Leu908Pro (NM_001379648.1, NM_001379637.1); c.2648T>C, p.Leu883Pro (NM_001379649.1, NM_001379650.1, NM_001379651.1 and 6 more transcripts); c.2675T>C, p.Leu892Pro (NM_001379638.1, NM_001320705.2, NM_001330289.2); c.3026T>C, p.Leu1009Pro (NM_001379631.1); c.2900T>C, p.Leu967Pro (NM_001379632.1); short protein forms L1009P, L883P, L892P, L908P, L917P, L967P, L975P, L984P.
Identifiers: ClinVar variation 4848548 (VCV004848548.1).